The following is an entry in ClinVar:

NM_001854.4(COL11A1):c.2341-3T>C

Gene: COL11A1 (collagen type XI alpha 1 chain; minus strand). Cytogenetic location: 1p21.1.
Variant type: single nucleotide variant.
Coding change: c.2341-3T>C on transcript NM_001854.4 (MANE Select); 3 bases into the intron before coding-DNA position 2341, T replaced by C.
Molecular consequence: intron variant.
Genome position (GRCh38, 1-based): chr1:102,989,574, A>G on the plus strand (T>C on the coding strand, the complement: COL11A1 is on the minus strand). VCF-style: chr1-102989574-A-G. GRCh37 (hg19) VCF-style: chr1-103455130-A-G.
Other names: c.2224-3T>C (NM_001190709.2); c.2377-3T>C (NM_080629.3); c.1993-3T>C (NM_080630.4).
Identifiers: ClinVar variation 2172028 (VCV002172028.4), dbSNP rs749863147, ClinGen allele CA974461.
Genomic context (GRCh38, chr1:102,989,574, plus strand): 5'-TTACTCTGTCACCTTTTAGACCCATGTCACCTTTGAATCCTGGAAAACCATCTTCACCCT[A>G]AAACATTATAAAAGGAATTAAATAGGAGTTTAATCAGTCCTTTGGAGTAACCTAAAATAT-3'

ClinVar aggregate classification (germline): Uncertain significance (1 of 4 stars; one submission).

Allele frequency attached by ClinVar (database versions not stated): gnomAD 0.00001.
gnomAD v4.1: 33 of 1,604,814 alleles (0.0021%); highest among the groups gnomAD compares: Non-Finnish European, 0.0026%; no homozygotes.

Submission:

Labcorp Genetics (formerly Invitae), Labcorp
Classification: Uncertain significance. Last evaluated: 2025-03-17. Review status: criteria provided, single submitter. Criteria: Invitae Variant Classification Sherloc (09022015). Collection method: clinical testing. Allele origin: germline.
Comment: This sequence change falls in intron 28 of the COL11A1 gene. It does not directly change the encoded amino acid sequence of the COL11A1 protein. It affects a nucleotide within the consensus splice site. This variant is present in population databases (rs749863147, gnomAD 0.0009%). This variant has not been reported in the literature in individuals affected with COL11A1-related conditions. ClinVar contains an entry for this variant (Variation ID: 2172028). Variants that disrupt the consensus splice site are a relatively common cause of aberrant splicing (PMID: 17576681, 9536098). Algorithms developed to predict the effect of sequence changes on RNA splicing suggest that this variant is not likely to affect RNA splicing. In summary, the available evidence is currently insufficient to determine the role of this variant in disease. Therefore, it has been classified as a Variant of Uncertain Significance.

Literature cited by the submitters: PubMed 17576681; PubMed 9536098.